The following is an entry in ClinVar:

ClinVar aggregate classification (germline): Uncertain significance (1 of 4 stars; one submission).

Submission:

Labcorp Genetics (formerly Invitae), Labcorp
Classification: Uncertain significance. Last evaluated: 2024-04-25. Review status: criteria provided, single submitter. Criteria: Invitae Variant Classification Sherloc (09022015). Collection method: clinical testing. Allele origin: germline.
Comment: This sequence change replaces serine, which is neutral and polar, with proline, which is neutral and non-polar, at codon 559 of the LCA5 protein (p.Ser559Pro). This variant is not present in population databases (gnomAD no frequency). This variant has not been reported in the literature in individuals affected with LCA5-related conditions. Advanced modeling of protein sequence and biophysical properties (such as structural, functional, and spatial information, amino acid conservation, physicochemical variation, residue mobility, and thermodynamic stability) performed at Invitae indicates that this missense variant is expected to disrupt LCA5 protein function with a positive predictive value of 80%. In summary, the available evidence is currently insufficient to determine the role of this variant in disease. Therefore, it has been classified as a Variant of Uncertain Significance.

NM_001122769.3(LCA5):c.1675T>C (p.Ser559Pro)

Gene: LCA5 (lebercilin LCA5; minus strand). Cytogenetic location: 6q14.1.
Variant type: single nucleotide variant.
Coding change: c.1675T>C on transcript NM_001122769.3 (MANE Select); coding-DNA position 1675, T replaced by C.
Protein change: p.Ser559Pro; replaces serine 559 with proline.
Molecular consequence: missense variant.
Genome position (GRCh38, 1-based): chr6:79,487,423, A>G on the plus strand (T>C on the coding strand, the complement: LCA5 is on the minus strand). VCF-style: chr6-79487423-A-G. GRCh37 (hg19) VCF-style: chr6-80197140-A-G.
Other names: c.1675T>C, p.Ser559Pro (NM_181714.4); short protein forms S559P.
Identifiers: ClinVar variation 3615406 (VCV003615406.2).
Genomic context (GRCh38, chr6:79,487,423, plus strand): 5'-AATCCAAAAAACTACTTTTTTGACTAAATGGATTTGACCTCTCTGATGTTTTTGCAAACG[A>G]AGGCACGTAGCTACCAAATGCGAACTCATTAGGGGAGGCTGGACTTCTAACATTTCCTGA-3'
Protein context (NP_001116241.1, residues 549-569): NEFAFGSYVP[Ser559Pro]FAKTSERSNP